The following is an entry in ClinVar:

NM_001849.4(COL6A2):c.1198G>A (p.Gly400Arg)

Gene: COL6A2 (collagen type VI alpha 2 chain; plus strand). Cytogenetic location: 21q22.3.
Variant type: single nucleotide variant.
Coding change: c.1198G>A on transcript NM_001849.4 (MANE Select); coding-DNA position 1198, G replaced by A.
Protein change: p.Gly400Arg; replaces glycine 400 with arginine.
Molecular consequence: missense variant.
Genome position (GRCh38, 1-based): chr21:46,119,048, G>A. VCF-style: chr21-46119048-G-A. GRCh37 (hg19) VCF-style: chr21-47538962-G-A.
Other names: c.1198G>A, p.Gly400Arg (NM_058174.3, NM_058175.3); short protein forms G400R.
Identifiers: ClinVar variation 423143 (VCV000423143.4), dbSNP rs1064796261, ClinGen allele CA16621030.

ClinVar aggregate classification (germline): Uncertain significance (1 of 4 stars; one submission).

Allele frequency attached by ClinVar (database versions not stated): gnomAD exomes below 0.00001 and 0.00001; TOPMed below 0.00001.

Submission:

GeneDx
Classification: Uncertain significance. Last evaluated: 2019-08-22. Review status: criteria provided, single submitter. Criteria: GeneDx Variant Classification Process June 2021. Collection method: clinical testing. Allele origin: germline. Affected: yes.
Comment: Not observed at a significant frequency in large population cohorts (Lek et al., 2016); In silico analysis, which includes protein predictors and evolutionary conservation, supports a deleterious effect; Has not been previously published as pathogenic or benign to our knowledge